The following is an entry in ClinVar:

NM_001122752.2(SERPINI1):c.979+4A>C

Gene: SERPINI1 (serpin family I member 1; plus strand). Cytogenetic location: 3q26.1.
Variant type: single nucleotide variant.
Coding change: c.979+4A>C on transcript NM_001122752.2 (MANE Select); 4 bases into the intron after coding-DNA position 979, A replaced by C.
Molecular consequence: intron variant.
Genome position (GRCh38, 1-based): chr3:167,807,345, A>C. VCF-style: chr3-167807345-A-C. GRCh37 (hg19) VCF-style: chr3-167525133-A-C.
Other names: c.979+4A>C (NM_005025.5).
Identifiers: ClinVar variation 2182440 (VCV002182440.4), dbSNP rs768731891, ClinGen allele CA2694930.
Genomic context (GRCh38, chr3:167,807,345, plus strand): 5'-AGGCTCTTGGAATAACTGAAATTTTCATCAAAGATGCAAATTTGACAGGCCTCTCTGGTA[A>C]GAAATAAACACAAATTTTTAAAAATGTTATTCCATAAGAGCTTTATTAAATGATGATATT-3'

ClinVar aggregate classification (germline): Uncertain significance (1 of 4 stars; one submission).

Conditions:
Familial encephalopathy with neuroserpin inclusion bodies. Also called: ENCEPHALOPATHY, FAMILIAL, WITH COLLINS BODIES. Identifiers: Orphanet 85110, MedGen C1858680, MONDO:0011412, OMIM 604218.

Allele frequency attached by ClinVar (database versions not stated): ExAC 0.00001; gnomAD exomes 0.00001.
gnomAD v4.1: 8 of 1,547,002 alleles (0.00052%); highest among the groups gnomAD compares: South Asian, 0.0034%; no homozygotes.

Submission:

Labcorp Genetics (formerly Invitae), Labcorp
Classification: Uncertain significance for Familial encephalopathy with neuroserpin inclusion bodies. Last evaluated: 2022-12-14. Review status: criteria provided, single submitter. Criteria: Invitae Variant Classification Sherloc (09022015). Collection method: clinical testing. Allele origin: germline.
Comment: In summary, the available evidence is currently insufficient to determine the role of this variant in disease. Therefore, it has been classified as a Variant of Uncertain Significance. This sequence change falls in intron 6 of the SERPINI1 gene. It does not directly change the encoded amino acid sequence of the SERPINI1 protein. It affects a nucleotide within the consensus splice site. This variant is present in population databases (rs768731891, gnomAD 0.007%). This variant has not been reported in the literature in individuals affected with SERPINI1-related conditions. Variants that disrupt the consensus splice site are a relatively common cause of aberrant splicing (PMID: 17576681, 9536098). Algorithms developed to predict the effect of sequence changes on RNA splicing suggest that this variant is not likely to affect RNA splicing.

Literature cited by the submitters: PubMed 17576681; PubMed 9536098.